The following is an entry in ClinVar:

ClinVar aggregate classification (germline): Uncertain significance (1 of 4 stars; one submission).

Conditions:
Werner syndrome (WRN). Identifiers: Orphanet 902, MedGen C0043119, MONDO:0010196, OMIM 277700.

Submission:

Labcorp Genetics (formerly Invitae), Labcorp
Classification: Uncertain significance for Werner syndrome. Last evaluated: 2022-01-18. Review status: criteria provided, single submitter. Criteria: Invitae Variant Classification Sherloc (09022015). Collection method: clinical testing. Allele origin: germline.
Comment: In summary, the available evidence is currently insufficient to determine the role of this variant in disease. Therefore, it has been classified as a Variant of Uncertain Significance. Algorithms developed to predict the effect of missense changes on protein structure and function are either unavailable or do not agree on the potential impact of this missense change (SIFT: "Not Available"; PolyPhen-2: "Probably Damaging"; Align-GVGD: "Not Available"). This variant has not been reported in the literature in individuals affected with WRN-related conditions. This variant is not present in population databases (gnomAD no frequency). This sequence change replaces alanine, which is neutral and non-polar, with glutamic acid, which is acidic and polar, at codon 1179 of the WRN protein (p.Ala1179Glu).

NM_000553.6(WRN):c.3536C>A (p.Ala1179Glu)

Gene: WRN (WRN RecQ like helicase; plus strand). Cytogenetic location: 8p12.
Variant type: single nucleotide variant.
Coding change: c.3536C>A on transcript NM_000553.6 (MANE Select); coding-DNA position 3536, C replaced by A.
Protein change: p.Ala1179Glu; replaces alanine 1179 with glutamic acid.
Molecular consequence: missense variant.
Genome position (GRCh38, 1-based): chr8:31,147,440, C>A. VCF-style: chr8-31147440-C-A. GRCh37 (hg19) VCF-style: chr8-31004956-C-A.
Other names: short protein forms A1179E.
Identifiers: ClinVar variation 1486953 (VCV001486953.8), dbSNP rs2130441083, ClinGen allele CA370925939.